The following is an entry in ClinVar:

ClinVar aggregate classification (germline): Pathogenic/Likely pathogenic. Review status: criteria provided, multiple submitters, no conflicts (2 of 4 stars). 5 submissions from 5 submitters: Pathogenic (3); Likely pathogenic (1). 1 of the submissions does not count toward it. Last evaluated 2025-12-13.

Conditions:
BBS12-related disorder. Also called: BBS12-related condition.
Bardet-Biedl syndrome (BBS). Identifiers: Orphanet 110, MedGen C0752166, MONDO:0015229.
Bardet-Biedl syndrome 12 (BBS12). Identifiers: Orphanet 110, MedGen C1859570, MONDO:0014440, OMIM 615989.

Submissions (5):

Labcorp Genetics (formerly Invitae), Labcorp
Classification: Pathogenic for Bardet-Biedl syndrome. Last evaluated: 2025-12-13. Review status: criteria provided, single submitter. Criteria: Invitae Variant Classification Sherloc (09022015). Collection method: clinical testing. Allele origin: germline.
Comment: This sequence change creates a premature translational stop signal (p.Val92Leufs*20) in the BBS12 gene. While this is not anticipated to result in nonsense mediated decay, it is expected to disrupt the last 619 amino acid(s) of the BBS12 protein. This variant is present in population databases (no rsID available, gnomAD 0.002%). This premature translational stop signal has been observed in individual(s) with Bardet-Biedl syndrome (PMID: 17160889). This variant is also known as 268delT. ClinVar contains an entry for this variant (Variation ID: 555873). This variant disrupts a region of the BBS12 protein in which other variant(s) (p.Asp687Valfs*3) have been determined to be pathogenic (internal data). This suggests that this is a clinically significant region of the protein, and that variants that disrupt it are likely to be disease-causing. For these reasons, this variant has been classified as Pathogenic.

Natera, Inc.
Classification: Pathogenic for Bardet-Biedl syndrome type 12. Last evaluated: 2025-11-21. Review status: criteria provided, single submitter. Criteria: Natera Variant Classification Schema (03/2026). Collection method: clinical testing. Allele origin: germline.
Comment: The c.270delT variant in BBS12 is a frameshift variant predicted to shift the reading frame beginning at codon 92 and leads to a stop codon 20 codons downstream. This variant is expected to result in nonsense mediated decay, truncation, or a dysfunctional protein product. This variant is rare in the general population with a frequency below the threshold expected for the associated phenotype(s). This variant has been observed in one or more individuals affected with the associated recessive disease, as either homozygous or compound heterozygous with a second variant (PMID: 17160889). Given the available evidence, this variant is classified as Pathogenic.

Baylor Genetics
Classification: Pathogenic for Bardet-Biedl syndrome 12. Last evaluated: 2024-03-12. Review status: criteria provided, single submitter. Criteria: ACMG Guidelines, 2015. Collection method: clinical testing. Allele origin: unknown.

Blueprint Genetics
Classification: Likely pathogenic for BBS12-related disorders. Last evaluated: 2022-10-07. Review status: criteria provided, single submitter. Criteria: ACMG Guidelines, 2015. Collection method: clinical testing. Allele origin: germline. Affected: yes. Observed: 1 variant allele.

Counsyl
Classification: Likely pathogenic for Bardet-Biedl syndrome 12. Last evaluated: 2018-01-02. Review status: no assertion criteria provided. Collection method: clinical testing. Allele origin: unknown. Not counted in ClinVar's aggregate classification.

Literature cited by the submitters: PubMed 17160889 (cited by 3 submitters).

NM_152618.3(BBS12):c.270del (p.Val92fs)

Gene: BBS12 (Bardet-Biedl syndrome 12; plus strand). Cytogenetic location: 4q27.
Variant type: Deletion.
Coding change: c.270del on transcript NM_152618.3 (MANE Select); coding-DNA position 270, one base deleted (T; older notation c.270delT).
Protein change: p.Val92fs; shifts the reading frame from valine 92.
Molecular consequence: frameshift variant.
Genome position (GRCh38, 1-based): chr4:122,742,162, T deleted; the last of 3 consecutive T bases (chr4:122,742,160-122,742,162); deleting any one gives the same sequence. VCF-style (leftmost placement, unchanged base first): chr4-122742159-GT-G. GRCh37 (hg19) VCF-style: chr4-123663314-GT-G.
Other names: c.270del, p.Val92fs (NM_001178007.2); short protein forms V92fs.
Identifiers: ClinVar variation 555873 (VCV000555873.10), dbSNP rs1173504533, ClinGen allele CA554526994.